The following is an entry in ClinVar:

ClinVar aggregate classification (germline): Uncertain significance (1 of 4 stars; one submission).

Conditions:
Combined immunodeficiency due to ORAI1 deficiency. Also called: IMMUNODEFICIENCY 9. Identifiers: Orphanet 169090, Orphanet 317428, MedGen C2748568, MONDO:0013007, OMIM 612782.
Myopathy, tubular aggregate, 2 (TAM2). Identifiers: MedGen C4014557, MONDO:0014383, OMIM 615883.

Submission:

Labcorp Genetics (formerly Invitae), Labcorp
Classification: Uncertain significance for Myopathy, tubular aggregate, 2; Combined immunodeficiency due to ORAI1 deficiency. Last evaluated: 2025-08-17. Review status: criteria provided, single submitter. Criteria: Invitae Variant Classification Sherloc (09022015). Collection method: clinical testing. Allele origin: germline.
Comment: This sequence change replaces threonine, which is neutral and polar, with alanine, which is neutral and non-polar, at codon 51 of the ORAI1 protein (p.Thr51Ala). This variant is not present in population databases (gnomAD no frequency). This variant has not been reported in the literature in individuals affected with ORAI1-related conditions. Experimental studies and prediction algorithms are not available or were not evaluated, and the functional significance of this variant is currently unknown. In summary, the available evidence is currently insufficient to determine the role of this variant in disease. Therefore, it has been classified as a Variant of Uncertain Significance.

NC_000012.12:g.121626898A>G

Genes: ORAI1 (ORAI calcium release-activated calcium modulator 1; plus strand), LOC130008987 (ATAC-STARR-seq lymphoblastoid silent region 4981; plus strand). Cytogenetic location: 12q24.31.
Variant type: single nucleotide variant.
Molecular consequence: non-coding transcript variant (on NR_186857.1).
Genome position: GRCh38 VCF-style: chr12-121626898-A-G. GRCh37 (hg19) VCF-style: chr12-122064804-A-G.
Identifiers: ClinVar variation 4785820 (VCV004785820.1).